The following is an entry in ClinVar:

ClinVar aggregate classification (germline): Conflicting classifications of pathogenicity. Review status: criteria provided, conflicting classifications (1 of 4 stars). 9 submissions from 9 submitters: Uncertain significance (3); Benign (2); Likely benign (3). 1 of the submissions does not count toward it. Last evaluated 2026-04-01.

Conditions:
ASPM-related disorder. Also called: ASPM-related condition.
Inborn genetic diseases. Identifiers: MedGen C0950123, MeSH D030342.
Microcephaly 5, primary, autosomal recessive (MCPH5). Also called: ASPM Primary Microcephaly. Identifiers: Orphanet 2512, MedGen C1837501, MONDO:0012106, OMIM 608716.

Allele frequency attached by ClinVar (database versions not stated): 1000 Genomes Project 0.00040; 1000 Genomes Project 30x 0.00047; gnomAD exomes 0.00095 and 0.00175; ESP Exome Variant Server 0.00108; ExAC 0.00121; gnomAD 0.00133 and 0.00137; TOPMed 0.00151.
gnomAD v4.1: 1,722 of 1,613,084 alleles (0.11%); highest among the groups gnomAD compares: Middle Eastern, 0.41%; 14 homozygotes.

Submissions (9):

CeGaT Center for Human Genetics Tuebingen
Classification: Likely benign. Last evaluated: 2026-04-01. Review status: criteria provided, single submitter. Criteria: CeGaT Center For Human Genetics Tuebingen Variant Classification Criteria Version 2. Collection method: clinical testing. Allele origin: germline. Affected: yes. Observed: 2 variant alleles.
Comment: ASPM: BP4, BS2

Labcorp Genetics (formerly Invitae), Labcorp
Classification: Benign. Last evaluated: 2026-01-26. Review status: criteria provided, single submitter. Criteria: Invitae Variant Classification Sherloc (09022015). Collection method: clinical testing. Allele origin: germline.

GeneDx
Classification: Likely benign. Last evaluated: 2021-03-10. Review status: criteria provided, single submitter. Criteria: GeneDx Variant Classification Process June 2021. Collection method: clinical testing. Allele origin: germline. Affected: yes.

Athena Diagnostics
Classification: Benign. Last evaluated: 2020-02-12. Review status: criteria provided, single submitter. Criteria: Athena Diagnostics Criteria. Collection method: clinical testing. Allele origin: unknown.

Illumina Laboratory Services, Illumina
Classification: Uncertain significance for Microcephaly 5, primary, autosomal recessive. Last evaluated: 2018-01-13. Review status: criteria provided, single submitter. Criteria: ICSL Variant Classification Criteria 13 December 2019. Collection method: clinical testing. Allele origin: germline.

Eurofins Ntd Llc (ga)
Classification: Likely benign. Last evaluated: 2016-06-30. Review status: criteria provided, single submitter. Criteria: EGL Classification Definitions 2015. Collection method: clinical testing. Allele origin: germline. Observed: 1 variant allele, 1 heterozygote.

Ambry Genetics
Classification: Uncertain significance for Inborn genetic diseases. Last evaluated: 2014-03-27. Review status: criteria provided, single submitter. Criteria: Ambry Autosomal Dominant and X-Linked criteria (10/2015). Collection method: clinical testing. Allele origin: germline. Observed: 1 variant allele.
Comment: There is insufficient or conflicting evidence for classification of this alteration.

Genetic Services Laboratory, University of Chicago
Classification: Uncertain significance for Microcephaly 5, primary, autosomal recessive. Last evaluated: 2013-02-08. Review status: criteria provided, single submitter. Criteria: ACMG Guidelines, 2007. Collection method: clinical testing. Allele origin: germline. Inheritance: Autosomal recessive inheritance.

PreventionGenetics, part of Exact Sciences
Classification: Benign for ASPM-related condition. Last evaluated: 2019-05-28. Review status: no assertion criteria provided. Collection method: clinical testing. Allele origin: germline. Not counted in ClinVar's aggregate classification.
Comment: This variant is classified as benign based on ACMG/AMP sequence variant interpretation guidelines (Richards et al. 2015 PMID: 25741868, with internal and published modifications).

Literature cited by the submitters: PubMed 23611254 (cited by Athena Diagnostics).

NM_018136.5(ASPM):c.646G>A (p.Glu216Lys)

Gene: ASPM (assembly factor for spindle microtubules; minus strand). Cytogenetic location: 1q31.3.
Variant type: single nucleotide variant.
Coding change: c.646G>A on transcript NM_018136.5 (MANE Select); coding-DNA position 646, G replaced by A.
Protein change: p.Glu216Lys; replaces glutamic acid 216 with lysine.
Molecular consequence: missense variant.
Genome position (GRCh38, 1-based): chr1:197,143,606, C>T on the plus strand (G>A on the coding strand, the complement: ASPM is on the minus strand). VCF-style: chr1-197143606-C-T. GRCh37 (hg19) VCF-style: chr1-197112736-C-T.
Other names: c.646G>A, p.Glu216Lys (NM_001206846.2); short protein forms E216K.
Identifiers: ClinVar variation 157855 (VCV000157855.68), dbSNP rs151050191, ClinGen allele CA271084.